The following is an entry in ClinVar:

ClinVar aggregate classification (germline): Likely benign. Review status: criteria provided, multiple submitters, no conflicts (2 of 4 stars). 3 submissions from 3 submitters: Likely benign (3). Last evaluated 2026-01-28.

Conditions:
GUCY2D-related disorder. Also called: GUCY2D-related condition.
Cone-rod dystrophy 6 (CORD6). Also called: RETINAL CONE DYSTROPHY 2; Cone dystrophy progressive. Identifiers: Orphanet 1872, MedGen C1866293, MONDO:0011143, OMIM 601777.
Leber congenital amaurosis 1 (LCA1). Also called: RETINAL BLINDNESS, CONGENITAL; AMAUROSIS CONGENITA OF LEBER I; Congenital absence of the rods and cones; Leber's congenital tapetoretinal degeneration; Leber's congenital tapetoretinal dysplasia. Identifiers: Orphanet 65, MedGen C2931258, MONDO:0008764, OMIM 204000.

Allele frequency attached by ClinVar (database versions not stated): TOPMed 0.00005; gnomAD 0.00006; gnomAD exomes 0.00006 and 0.00010; ExAC 0.00010; ESP Exome Variant Server 0.00015.
gnomAD v4.1: 94 of 1,613,868 alleles (0.0058%); highest among the groups gnomAD compares: Admixed American, 0.018%; no homozygotes.

Submissions (3):

Labcorp Genetics (formerly Invitae), Labcorp
Classification: Likely benign for Leber congenital amaurosis 1; Cone-rod dystrophy 6. Last evaluated: 2026-01-28. Review status: criteria provided, single submitter. Criteria: Invitae Variant Classification Sherloc (09022015). Collection method: clinical testing. Allele origin: germline.

PreventionGenetics, part of Exact Sciences
Classification: Likely benign for GUCY2D-related condition. Last evaluated: 2024-12-12. Review status: criteria provided, single submitter. Criteria: ACMG Guidelines, 2015. Collection method: clinical testing. Allele origin: germline.
Comment: This variant is classified as likely benign based on ACMG/AMP sequence variant interpretation guidelines (Richards et al. 2015 PMID: 25741868, with internal and published modifications).

Blueprint Genetics
Classification: Likely benign. Last evaluated: 2024-11-26. Review status: criteria provided, single submitter. Criteria: ACMG Guidelines, 2015. Collection method: clinical testing. Allele origin: germline.

NM_000180.4(GUCY2D):c.2178C>T (p.Ala726=)

Gene: GUCY2D (guanylate cyclase 2D, retinal; plus strand). Cytogenetic location: 17p13.1.
Variant type: single nucleotide variant.
Coding change: c.2178C>T on transcript NM_000180.4 (MANE Select); coding-DNA position 2178, C replaced by T.
Protein change: p.Ala726=; no amino-acid change (alanine 726 retained).
Molecular consequence: synonymous variant.
Genome position (GRCh38, 1-based): chr17:8,013,167, C>T. VCF-style: chr17-8013167-C-T. GRCh37 (hg19) VCF-style: chr17-7916485-C-T.
Identifiers: ClinVar variation 763496 (VCV000763496.12), dbSNP rs377648185, ClinGen allele CA8366035.